The following is an entry in ClinVar:

NM_001042681.2(RERE):c.3165C>T (p.Thr1055=)

Gene: RERE (arginine-glutamic acid dipeptide repeats; minus strand). Cytogenetic location: 1p36.23.
Variant type: single nucleotide variant.
Coding change: c.3165C>T on transcript NM_001042681.2 (MANE Select); coding-DNA position 3165, C replaced by T.
Protein change: p.Thr1055=; no amino-acid change (threonine 1055 retained).
Molecular consequence: synonymous variant.
Genome position (GRCh38, 1-based): chr1:8,360,342, G>A on the plus strand (C>T on the coding strand, the complement: RERE is on the minus strand). VCF-style: chr1-8360342-G-A. GRCh37 (hg19) VCF-style: chr1-8420402-G-A.
Other names: c.1503C>T, p.Thr501= (NM_001042682.2); c.3165C>T, p.Thr1055= (NM_012102.4).
Identifiers: ClinVar variation 2638162 (VCV002638162.24), dbSNP rs759250133, ClinGen allele CA571241.
Genomic context (GRCh38, chr1:8,360,342, plus strand): 5'-AGCCGCCGCACCAGAGCAGGGTGGCTGGGCCGAGGTGCCAGGTCCCGCCGGTGGGGTAGA[G>A]GTGGAGGGGCAGGTCGGAGGGGTGATGGGAGGAGGGCCTCCAGGGACAAAGGGGTGCTGA-3'
Protein context (NP_001036146.1, residues 1045-1065): PPITPPTCPS[Thr1055=]STPPAGPGTS

ClinVar aggregate classification (germline): Likely benign (1 of 4 stars; one submission).

Allele frequency attached by ClinVar (database versions not stated): gnomAD 0.00001; gnomAD exomes 0.00003.
gnomAD v4.1: 37 of 1,511,920 alleles (0.0024%); highest among the groups gnomAD compares: Non-Finnish European, 0.0032%; no homozygotes.

Submission:

CeGaT Center for Human Genetics Tuebingen
Classification: Likely benign. Last evaluated: 2022-11-01. Review status: criteria provided, single submitter. Criteria: CeGaT Center For Human Genetics Tuebingen Variant Classification Criteria Version 2. Collection method: clinical testing. Allele origin: germline. Affected: yes. Observed: 1 variant allele.
Comment: RERE: BP4, BP7